The following is an entry in ClinVar:

NM_170606.3(KMT2C):c.9397G>T (p.Val3133Leu)

Gene: KMT2C (lysine methyltransferase 2C; minus strand). Cytogenetic location: 7q36.1.
Variant type: single nucleotide variant.
Coding change: c.9397G>T on transcript NM_170606.3 (MANE Select); coding-DNA position 9397, G replaced by T.
Protein change: p.Val3133Leu; replaces valine 3133 with leucine.
Molecular consequence: missense variant.
Genome position (GRCh38, 1-based): chr7:152,171,320, C>A on the plus strand (G>T on the coding strand, the complement: KMT2C is on the minus strand). VCF-style: chr7-152171320-C-A. GRCh37 (hg19) VCF-style: chr7-151868405-C-A.
Other names: c.9397G>T (NM_170606.2); short protein forms V3133L.
Identifiers: ClinVar variation 1690465 (VCV001690465.6), dbSNP rs984841454, ClinGen allele CA169235005.

ClinVar aggregate classification (germline): Uncertain significance. Review status: criteria provided, multiple submitters, no conflicts (2 of 4 stars). 3 submissions from 3 submitters: Uncertain significance (3). Last evaluated 2024-07-10.

Conditions:
Inborn genetic diseases. Identifiers: MedGen C0950123, MeSH D030342.

Submissions (3):

Ambry Genetics
Classification: Uncertain significance for Inborn genetic diseases. Last evaluated: 2024-07-10. Review status: criteria provided, single submitter. Criteria: Ambry Variant Classification Scheme 2023. Collection method: clinical testing. Allele origin: germline.

Labcorp Genetics (formerly Invitae), Labcorp
Classification: Uncertain significance. Last evaluated: 2023-10-08. Review status: criteria provided, single submitter. Criteria: Invitae Variant Classification Sherloc (09022015). Collection method: clinical testing. Allele origin: germline.
Comment: This sequence change replaces valine, which is neutral and non-polar, with leucine, which is neutral and non-polar, at codon 3133 of the KMT2C protein (p.Val3133Leu). This variant is not present in population databases (gnomAD no frequency). This variant has not been reported in the literature in individuals affected with KMT2C-related conditions. ClinVar contains an entry for this variant (Variation ID: 1690465). Advanced modeling of protein sequence and biophysical properties (such as structural, functional, and spatial information, amino acid conservation, physicochemical variation, residue mobility, and thermodynamic stability) performed at Invitae indicates that this missense variant is not expected to disrupt KMT2C protein function. In summary, the available evidence is currently insufficient to determine the role of this variant in disease. Therefore, it has been classified as a Variant of Uncertain Significance.

Laboratorio de Genetica e Diagnostico Molecular, Hospital Israelita Albert Einstein
Classification: Uncertain significance. Last evaluated: 2021-10-13. Review status: criteria provided, single submitter. Criteria: ACMG Guidelines, 2015. Collection method: clinical testing. Allele origin: germline. Affected: yes.
Comment: ACMG classification criteria: PM2, BP4